The following is an entry in ClinVar:

ClinVar aggregate classification (germline): Uncertain significance (1 of 4 stars; one submission).

Conditions:
Inborn genetic diseases. Identifiers: MedGen C0950123, MeSH D030342.

Submission:

Ambry Genetics
Classification: Uncertain significance for Inborn genetic diseases. Last evaluated: 2020-11-30. Review status: criteria provided, single submitter. Criteria: Ambry Variant Classification Scheme 2023. Collection method: clinical testing. Allele origin: germline.
Comment: The c.3043C>T (p.P1015S) alteration is located in exon 19 (coding exon 17) of the RERE gene. This alteration results from a C to T substitution at nucleotide position 3043, causing the proline (P) at amino acid position 1015 to be replaced by a serine (S). The p.P1015S alteration is predicted to be tolerated by in silico analysis. Based on insufficient or conflicting evidence, the clinical significance of this alteration remains unclear.

NM_001042681.2(RERE):c.3043C>T (p.Pro1015Ser)

Gene: RERE (arginine-glutamic acid dipeptide repeats; minus strand). Cytogenetic location: 1p36.23.
Variant type: single nucleotide variant.
Coding change: c.3043C>T on transcript NM_001042681.2 (MANE Select); coding-DNA position 3043, C replaced by T.
Protein change: p.Pro1015Ser; replaces proline 1015 with serine.
Molecular consequence: missense variant.
Genome position (GRCh38, 1-based): chr1:8,360,464, G>A on the plus strand (C>T on the coding strand, the complement: RERE is on the minus strand). VCF-style: chr1-8360464-G-A. GRCh37 (hg19) VCF-style: chr1-8420524-G-A.
Other names: c.1381C>T, p.Pro461Ser (NM_001042682.2); c.3043C>T, p.Pro1015Ser (NM_012102.4); short protein forms P461S, P1015S.
Identifiers: ClinVar variation 2228247 (VCV002228247.2), dbSNP rs2522713185, ClinGen allele CA338171378.